The following is an entry in ClinVar:

ClinVar aggregate classification (germline): Uncertain significance (1 of 4 stars; one submission).

Conditions:
Myofibrillar myopathy 5. Also called: Filaminopathy (type); FILAMINOPATHY, AUTOSOMAL DOMINANT. Identifiers: Orphanet 171445, MedGen C1836050, MONDO:0012289, OMIM 609524.
Distal myopathy with posterior leg and anterior hand involvement. Also called: WILLIAMS DISTAL MYOPATHY. Identifiers: Orphanet 63273, MedGen C3279722, MONDO:0013550, OMIM 614065.
Hypertrophic cardiomyopathy 26. Also called: Cardiomyopathy, familial hypertrophic, 26. Identifiers: Orphanet 75249, MedGen C4310749, MONDO:0014883, OMIM 617047.

Submission:

Labcorp Genetics (formerly Invitae), Labcorp
Classification: Uncertain significance for Distal myopathy with posterior leg and anterior hand involvement; Myofibrillar myopathy 5; Hypertrophic cardiomyopathy 26. Last evaluated: 2025-12-05. Review status: criteria provided, single submitter. Criteria: Invitae Variant Classification Sherloc (09022015). Collection method: clinical testing. Allele origin: germline.
Comment: This sequence change replaces valine, which is neutral and non-polar, with alanine, which is neutral and non-polar, at codon 350 of the FLNC protein (p.Val350Ala). This variant is not present in population databases (gnomAD no frequency). This variant has not been reported in the literature in individuals affected with FLNC-related conditions. ClinVar contains an entry for this variant (Variation ID: 2935689). An algorithm developed to predict the effect of missense changes on protein structure and function (PolyPhen-2) suggests that this variant is likely to be disruptive. In summary, the available evidence is currently insufficient to determine the role of this variant in disease. Therefore, it has been classified as a Variant of Uncertain Significance.

NM_001458.5(FLNC):c.1049T>C (p.Val350Ala)

Gene: FLNC (filamin C; plus strand). Cytogenetic location: 7q32.1.
Variant type: single nucleotide variant.
Coding change: c.1049T>C on transcript NM_001458.5 (MANE Select); coding-DNA position 1049, T replaced by C.
Protein change: p.Val350Ala; replaces valine 350 with alanine.
Molecular consequence: missense variant.
Genome position (GRCh38, 1-based): chr7:128,838,268, T>C. VCF-style: chr7-128838268-T-C. GRCh37 (hg19) VCF-style: chr7-128478322-T-C.
Other names: c.1049T>C, p.Val350Ala (NM_001127487.2); short protein forms V350A.
Identifiers: ClinVar variation 2935689 (VCV002935689.3), dbSNP rs2536620815, ClinGen allele CA369223517.